The following is an entry in ClinVar:

NM_000327.4(ROM1):c.669G>C (p.Arg223=)

Gene: ROM1 (retinal outer segment membrane protein 1; plus strand). Cytogenetic location: 11q12.3.
Variant type: single nucleotide variant.
Coding change: c.669G>C on transcript NM_000327.4 (MANE Select); coding-DNA position 669, G replaced by C.
Protein change: p.Arg223=; no amino-acid change (arginine 223 retained).
Molecular consequence: synonymous variant.
Genome position (GRCh38, 1-based): chr11:62,614,336, G>C. VCF-style: chr11-62614336-G-C. GRCh37 (hg19) VCF-style: chr11-62381808-G-C.
Identifiers: ClinVar variation 305166 (VCV000305166.17), dbSNP rs1801144, ClinGen allele CA6049805.
Genomic context (GRCh38, chr11:62,614,336, plus strand): 5'-AGAAGGCCTATACCTGACTGATGGGGTCCCTTTCTCCTGTTGCAACCCCCACTCACCCCG[G>C]CCTTGCCTGCAAAACCGTCTTTCAGACTCCTACGCCCACCCCCTGTTCGATCCCCGACAA-3'
Protein context (NP_000318.2, residues 213-233): PFSCCNPHSP[Arg223=]PCLQNRLSDS

ClinVar aggregate classification (germline): Benign. Review status: criteria provided, multiple submitters, no conflicts (2 of 4 stars). 5 submissions from 5 submitters: Benign (5). Last evaluated 2026-02-04.

Conditions:
Retinal dystrophy. Also called: Inherited retinal dystrophy. Identifiers: Orphanet 71862, MedGen C0854723, MeSH D058499, MONDO:0019118, HP:0000556.
Retinitis pigmentosa (RP). Identifiers: Orphanet 791, MedGen C0035334, MeSH D012174, MONDO:0019200, OMIM 268000. Inheritance: Autosomal dominant, autosomal recessive and X linked inheritance.

Allele frequency attached by ClinVar (database versions not stated): 1000 Genomes Project 0.17232; 1000 Genomes Project 30x 0.17427; TOPMed 0.25386; gnomAD 0.25996 and 0.26271; ESP Exome Variant Server 0.29111.
gnomAD v4.1: 518,480 of 1,613,350 alleles (32%); highest among the groups gnomAD compares: Non-Finnish European, 36%; 89,263 homozygotes.

Submissions (5):

Labcorp Genetics (formerly Invitae), Labcorp
Classification: Benign. Last evaluated: 2026-02-04. Review status: criteria provided, single submitter. Criteria: Invitae Variant Classification Sherloc (09022015). Collection method: clinical testing. Allele origin: germline.

Dept Of Ophthalmology, Nagoya University
Classification: Benign for Retinal dystrophy. Last evaluated: 2023-10-01. Review status: criteria provided, single submitter. Criteria: Submitter's publication. Collection method: research. Allele origin: germline. Affected: yes.

GeneDx
Classification: Benign. Last evaluated: 2018-10-22. Review status: criteria provided, single submitter. Criteria: GeneDx Variant Classification Process June 2021. Collection method: clinical testing. Allele origin: germline. Affected: yes.

Illumina Laboratory Services, Illumina
Classification: Benign for Retinitis pigmentosa. Last evaluated: 2018-01-12. Review status: criteria provided, single submitter. Criteria: ICSL Variant Classification Criteria 13 December 2019. Collection method: clinical testing. Allele origin: germline.
Comment: This variant was observed in the ICSL laboratory as part of a predisposition screen in an ostensibly healthy population. It had not been previously curated by ICSL or reported in the Human Gene Mutation Database (HGMD: prior to June 1st, 2018), and was therefore a candidate for classification through an automated scoring system. Utilizing variant allele frequency, disease prevalence and penetrance estimates, and inheritance mode, an automated score was calculated to assess if this variant is too frequent to cause the disease. Based on the score and internal cut-off values, a variant classified as benign is not then subjected to further curation. The score for this variant resulted in a classification of benign for this disease.

Breakthrough Genomics
Classification: Benign. Review status: criteria provided, single submitter. Criteria: ACMG Guidelines, 2015. Collection method: not provided. Allele origin: germline. Inheritance: Autosomal recessive inheritance. Affected: yes.